The following is an entry in ClinVar:

ClinVar aggregate classification (germline): Uncertain significance (1 of 4 stars; one submission).

Submission:

Labcorp Genetics (formerly Invitae), Labcorp
Classification: Uncertain significance. Last evaluated: 2022-06-09. Review status: criteria provided, single submitter. Criteria: Invitae Variant Classification Sherloc (09022015). Collection method: clinical testing. Allele origin: germline.
Comment: This variant has not been reported in the literature in individuals affected with ATP6AP1-related conditions. In summary, the available evidence is currently insufficient to determine the role of this variant in disease. Therefore, it has been classified as a Variant of Uncertain Significance. Experimental studies and prediction algorithms are not available or were not evaluated, and the functional significance of this variant is currently unknown. This variant is not present in population databases (gnomAD no frequency). This variant, c.113_124del, results in the deletion of 4 amino acid(s) of the ATP6AP1 protein (p.Ala38_Ala41del), but otherwise preserves the integrity of the reading frame.

NM_001183.6(ATP6AP1):c.113_124del (p.Ala38_Ala41del)

Gene: ATP6AP1 (ATPase H+ transporting accessory protein 1; plus strand). Cytogenetic location: Xq28.
Variant type: Deletion.
Coding change: c.113_124del on transcript NM_001183.6 (MANE Select); coding-DNA positions 113 to 124, 12 bases deleted (CGGCAGCGGCGG).
Protein change: p.Ala38_Ala41del.
Molecular consequence: inframe deletion.
Genome position (GRCh38, 1-based): chrX:154,428,805-154,428,816, CGGCAGCGGCGG deleted; deleting any 12 consecutive bases within chrX:154,428,798-154,428,816 gives the same sequence; the c. name uses the placement nearest the transcript's 3' end. VCF-style (leftmost placement, unchanged base first): chrX-154428797-GGCGGCGGCGGCA-G. GRCh37 (hg19) VCF-style: chrX-153657143-GGCGGCGGCGGCA-G.
Identifiers: ClinVar variation 2003929 (VCV002003929.4), dbSNP rs2523013096, ClinGen allele CA2580101738.